The following is an entry in ClinVar:

NM_201631.4(TGM5):c.1304del (p.Asp435fs)

Gene: TGM5 (transglutaminase 5; minus strand). Cytogenetic location: 15q15.2.
Variant type: Deletion.
Coding change: c.1304del on transcript NM_201631.4 (MANE Select); coding-DNA position 1304, one base deleted (A; older notation c.1304delA).
Protein change: p.Asp435fs; shifts the reading frame from aspartic acid 435.
Molecular consequence: frameshift variant.
Genome position (GRCh38, 1-based): chr15:43,238,858, T deleted on the plus strand (A on the coding strand, the reverse complement: TGM5 is on the minus strand). VCF-style (leftmost placement, unchanged base first): chr15-43238857-GT-G. GRCh37 (hg19) VCF-style: chr15-43531055-GT-G.
Other names: c.1058del, p.Asp353fs (NM_004245.4); c.1304delA (NM_201631.3); short protein forms D435fs, D353fs.
Identifiers: ClinVar variation 450467 (VCV000450467.4), dbSNP rs758505358, ClinGen allele CA7521019.
Genomic context (GRCh38, chr15:43,238,857, plus strand): 5'-GGGCTGGCTTGCTTACTTACCTTCTTCATACTTGTAGTTCTCTGTGATGTCATCCCGCTC[GT>G]CACTCTGGATGCTCTTTGTGCTGATAAAATTGCCAACAGAACTCGTGTCCTGGTGAAGCT-3'

ClinVar aggregate classification (germline): Pathogenic (1 of 4 stars; one submission).

Allele frequency attached by ClinVar (database versions not stated): gnomAD exomes 0.00001; ESP Exome Variant Server 0.00008; ExAC 0.00002.

Submission:

GeneDx
Classification: Pathogenic. Last evaluated: 2022-07-11. Review status: criteria provided, single submitter. Criteria: GeneDx Variant Classification Process June 2021. Collection method: clinical testing. Allele origin: germline. Affected: yes.
Comment: Frameshift variant predicted to result in protein truncation or nonsense mediated decay in a gene for which loss of function is a known mechanism of disease; Not observed at significant frequency in large population cohorts (gnomAD); Has not been previously published as pathogenic or benign to our knowledge